The following is an entry in ClinVar:

ClinVar aggregate classification (germline): Uncertain significance (1 of 4 stars; one submission).

Conditions:
Neuropathy, hereditary sensory and autonomic, type 2A (HSAN2A). Also called: MORVAN DISEASE; ACROOSTEOLYSIS, GIACCAI TYPE; ACROOSTEOLYSIS, NEUROGENIC; NEUROPATHY, CONGENITAL SENSORY; NEUROPATHY, HEREDITARY SENSORY RADICULAR, AUTOSOMAL RECESSIVE; NEUROPATHY, HEREDITARY SENSORY, TYPE IIA. Identifiers: Orphanet 970, MedGen C2752089, MONDO:0024309, OMIM 201300.
Generalized epilepsy with febrile seizures plus, type 7 (GEFSP7). Also called: GEFS+, TYPE 7. Identifiers: Orphanet 36387, MedGen C2751778, MONDO:0013470, OMIM 613863.

Submission:

Labcorp Genetics (formerly Invitae), Labcorp
Classification: Uncertain significance for Neuropathy, hereditary sensory and autonomic, type 2A; Generalized epilepsy with febrile seizures plus, type 7. Last evaluated: 2020-02-21. Review status: criteria provided, single submitter. Criteria: Invitae Variant Classification Sherloc (09022015). Collection method: clinical testing. Allele origin: germline.
Comment: This sequence change replaces methionine with lysine at codon 1060 of the SCN9A protein (p.Met1060Lys). The methionine residue is moderately conserved and there is a moderate physicochemical difference between methionine and lysine. This variant is not present in population databases (ExAC no frequency). This variant has not been reported in the literature in individuals with SCN9A-related conditions. Algorithms developed to predict the effect of missense changes on protein structure and function (SIFT, PolyPhen-2, Align-GVGD) all suggest that this variant is likely to be tolerated, but these predictions have not been confirmed by published functional studies and their clinical significance is uncertain. In summary, the available evidence is currently insufficient to determine the role of this variant in disease. Therefore, it has been classified as a Variant of Uncertain Significance.

NM_001365536.1(SCN9A):c.3212T>A (p.Met1071Lys)

Genes: SCN9A (sodium voltage-gated channel alpha subunit 9; minus strand), SCN1A-AS1 (SCN1A and SCN9A antisense RNA 1; plus strand). Cytogenetic location: 2q24.3.
Variant type: single nucleotide variant.
Coding change: c.3212T>A on transcript NM_001365536.1 (MANE Select); coding-DNA position 3212, T replaced by A.
Protein change: p.Met1071Lys; replaces methionine 1071 with lysine.
Molecular consequence: missense variant.
Genome position (GRCh38, 1-based): chr2:166,272,538, A>T on the plus strand (T>A on the coding strand, the complement: SCN9A is on the minus strand). VCF-style: chr2-166272538-A-T. GRCh37 (hg19) VCF-style: chr2-167129048-A-T.
Other names: c.3179T>A, p.Met1060Lys (NM_002977.4); short protein forms M1071K, M1060K.
Identifiers: ClinVar variation 1047096 (VCV001047096.9), dbSNP rs781223783, ClinGen allele CA349073141.